The following is an entry in ClinVar:

NM_000094.4(COL7A1):c.6217-3C>A

Gene: COL7A1 (collagen type VII alpha 1 chain; minus strand). Cytogenetic location: 3p21.31.
Variant type: single nucleotide variant.
Coding change: c.6217-3C>A on transcript NM_000094.4 (MANE Select); 3 bases into the intron before coding-DNA position 6217, C replaced by A.
Molecular consequence: intron variant.
Genome position (GRCh38, 1-based): chr3:48,575,129, G>T on the plus strand (C>A on the coding strand, the complement: COL7A1 is on the minus strand). VCF-style: chr3-48575129-G-T. GRCh37 (hg19) VCF-style: chr3-48612562-G-T.
Identifiers: ClinVar variation 4689689 (VCV004689689.1).

ClinVar aggregate classification (germline): Uncertain significance (1 of 4 stars; one submission).

gnomAD v4.1: 2 of 1,613,838 alleles (0.00012%); highest among the groups gnomAD compares: Non-Finnish European, 0.000085%; no homozygotes.

Submission:

Women's Health and Genetics/Laboratory Corporation of America, LabCorp
Classification: Uncertain significance. Last evaluated: 2026-01-02. Review status: criteria provided, single submitter. Criteria: LabCorp Variant Classification Summary - May 2015. Collection method: clinical testing. Allele origin: germline.
Comment: Variant summary: COL7A1 c.6217-3C>A alters a nucleotide located close to a canonical splice site and therefore could affect mRNA splicing, leading to a significantly altered protein sequence. Several computational tools predict a significant impact on normal splicing: Three predict the variant weakens a 3' acceptor site. One predict the variant no significant impact on splicing. However, these predictions have yet to be confirmed by functional studies. The variant was absent in 251146 control chromosomes. The available data on variant occurrences in the general population are insufficient to allow any conclusion about variant significance. c.6217-3C>A has been observed in individual(s) affected with Dystrophic Epidermolysis Bullosa (Kern_2009. These report(s) do not provide unequivocal conclusions about association of the variant with Dystrophic Epidermolysis Bullosa. To our knowledge, no experimental evidence demonstrating an impact on protein function has been reported. The following publication have been ascertained in the context of this evaluation (PMID: 19681861). No submitters have cited clinical-significance assessments for this variant to ClinVar. Based on the evidence outlined above, the variant was classified as uncertain significance.

Literature cited by the submitters: PubMed 19681861.